The following is an entry in ClinVar:

NM_000059.4(BRCA2):c.8953+4_8953+7del

Gene: BRCA2 (BRCA2 DNA repair associated; plus strand). Cytogenetic location: 13q13.1.
Variant type: Deletion.
Coding change: c.8953+4_8953+7del on transcript NM_000059.4 (MANE Select); bases 4 to 7 of the intron after coding-DNA position 8953, 4 bases deleted (AGTA; older notation c.8953+4_8953+7delAGTA).
Molecular consequence: splice donor variant.
Genome position (GRCh38, 1-based): chr13:32,379,519-32,379,522, AGTA deleted; deleting any 4 consecutive bases within chr13:32,379,516-32,379,522 gives the same sequence; the c. name uses the placement nearest the transcript's 3' end. VCF-style (leftmost placement, unchanged base first): chr13-32379515-GGTAA-G. GRCh37 (hg19) VCF-style: chr13-32953652-GGTAA-G.
Other names: c.8953+4_8953+7delAGTA (NM_000059.3).
Identifiers: ClinVar variation 662577 (VCV000662577.10), dbSNP rs1593937035, ClinGen allele CA915948615.

ClinVar aggregate classification (germline): Likely benign. Review status: criteria provided, multiple submitters, no conflicts (2 of 4 stars). 3 submissions from 3 submitters: Likely benign (2). 1 of the submissions does not count toward it. Last evaluated 2025-06-09.

Conditions:
BRCA2-related disorder. Also called: BRCA2-related condition; BRCA2-related disorders. Identifiers: MedGen CN239275.
Hereditary breast ovarian cancer syndrome. Also called: Hereditary breast and ovarian cancer syndrome (HBOC); Hereditary breast and ovarian cancer syndrome; Breast and ovarian cancer; Hereditary breast and ovarian cancer; Hereditary breast and/or ovarian cancer syndrome; BRCA1- and BRCA2-Associated Hereditary Breast and Ovarian Cancer. Identifiers: Orphanet 145, MedGen C0677776, MeSH D061325, MONDO:0003582. Disease mechanism: loss of function.
Hereditary cancer-predisposing syndrome. Also called: Neoplastic Syndromes, Hereditary; Tumor predisposition; Hereditary neoplastic syndrome; Hereditary Cancer Syndrome. Identifiers: Orphanet 140162, MedGen C0027672, MeSH D009386, MONDO:0015356.

Submissions (3):

Labcorp Genetics (formerly Invitae), Labcorp
Classification: Likely benign for Hereditary breast ovarian cancer syndrome. Last evaluated: 2025-06-09. Review status: criteria provided, single submitter. Criteria: Invitae Variant Classification Sherloc (09022015). Collection method: clinical testing. Allele origin: germline.

Ambry Genetics
Classification: Likely benign for Hereditary cancer-predisposing syndrome. Last evaluated: 2022-10-26. Review status: criteria provided, single submitter. Criteria: Ambry Variant Classification Scheme 2023. Collection method: clinical testing. Allele origin: germline.

PreventionGenetics, part of Exact Sciences
Classification: Uncertain significance for BRCA2-related condition. Last evaluated: 2024-06-28. Review status: no assertion criteria provided. Collection method: clinical testing. Allele origin: germline. Not counted in ClinVar's aggregate classification.
Comment: The BRCA2 c.8953+4_8953+7delAGTA variant is predicted to result in an intronic deletion. To our knowledge, this variant has not been reported in the literature or in a large population database, indicating this variant is rare. This variant has been previously reported as a variant of uncertain significance and likely benign in the ClinVar database. Although we suspect that this variant may be benign, at this time, the clinical significance of this variant is uncertain due to the absence of conclusive functional and genetic evidence.